The following is an entry in ClinVar:

NM_000363.5(TNNI3):c.288G>C (p.Leu96Phe)

Gene: TNNI3 (troponin I3, cardiac type; minus strand). Cytogenetic location: 19q13.42.
Variant type: single nucleotide variant.
Coding change: c.288G>C on transcript NM_000363.5 (MANE Select); coding-DNA position 288, G replaced by C.
Protein change: p.Leu96Phe; replaces leucine 96 with phenylalanine.
Molecular consequence: missense variant.
Genome position (GRCh38, 1-based): chr19:55,154,825, C>G on the plus strand (G>C on the coding strand, the complement: TNNI3 is on the minus strand). VCF-style: chr19-55154825-C-G. GRCh37 (hg19) VCF-style: chr19-55666193-C-G.
Other names: short protein forms L96F.
Identifiers: ClinVar variation 928917 (VCV000928917.1), dbSNP rs1599909725, ClinGen allele CA407441221.
Genomic context (GRCh38, chr19:55,154,825, plus strand): 5'-TGCCTCTATGTCGTATCTCTCTTCATCCACCTTGTCCACACGGGCGTGGAGCTGTCGGCA[C>G]AAGTCCTGGAGGAGGAACGTGGTGTGTGTTGTTGGGGGAACCAAAAACAGGGAGACCTGG-3'
Protein context (NP_000354.4, residues 86-106): AGLGFAELQD[Leu96Phe]CRQLHARVDK

ClinVar aggregate classification (germline): Uncertain significance (1 of 4 stars; one submission).

Allele frequency attached by ClinVar (database versions not stated): gnomAD exomes below 0.00001.
gnomAD v4.1: 1 of 1,614,192 alleles (0.000062%); highest among the groups gnomAD compares: Non-Finnish European, 0.000085%; no homozygotes.

Submission:

Women's Health and Genetics/Laboratory Corporation of America, LabCorp
Classification: Uncertain significance. Last evaluated: 2019-01-21. Review status: criteria provided, single submitter. Criteria: LabCorp Variant Classification Summary - May 2015. Collection method: clinical testing. Allele origin: germline.
Comment: Variant summary: TNNI3 c.288G>C (p.Leu96Phe) results in a non-conservative amino acid change in the encoded protein sequence. Three of five in-silico tools predict a damaging effect of the variant on protein function. The variant was absent in 277108 control chromosomes. The available data on variant occurrences in the general population are insufficient to allow any conclusion about variant significance. To our knowledge, no occurrence of c.288G>C in individuals affected with Cardiomyopathy and no experimental evidence demonstrating its impact on protein function have been reported. No clinical diagnostic laboratories have submitted clinical-significance assessments for this variant to ClinVar after 2014. Based on the evidence outlined above, the variant was classified as uncertain significance.